The following is an entry in ClinVar:

ClinVar aggregate classification (germline): Likely benign (1 of 4 stars; one submission).

Allele frequency attached by ClinVar (database versions not stated): 1000 Genomes Project 30x 0.00125; 1000 Genomes Project 0.00140; TOPMed 0.00258; ESP Exome Variant Server 0.00261; gnomAD 0.00327; ExAC 0.00379; gnomAD exomes 0.00395.
gnomAD v4.1: 6,207 of 1,611,910 alleles (0.39%); highest among the groups gnomAD compares: South Asian, 0.5%; 18 homozygotes.

Submission:

CeGaT Center for Human Genetics Tuebingen
Classification: Likely benign. Last evaluated: 2022-11-01. Review status: criteria provided, single submitter. Criteria: CeGaT Center For Human Genetics Tuebingen Variant Classification Criteria Version 2. Collection method: clinical testing. Allele origin: germline. Affected: yes. Observed: 1 variant allele.
Comment: NISCH: BP4, BP7, BS2

NM_007184.4(NISCH):c.2451C>T (p.Ala817=)

Gene: NISCH (nischarin; plus strand). Cytogenetic location: 3p21.1.
Variant type: single nucleotide variant.
Coding change: c.2451C>T on transcript NM_007184.4 (MANE Select); coding-DNA position 2451, C replaced by T.
Protein change: p.Ala817=; no amino-acid change (alanine 817 retained).
Molecular consequence: synonymous variant.
Genome position (GRCh38, 1-based): chr3:52,487,943, C>T. VCF-style: chr3-52487943-C-T. GRCh37 (hg19) VCF-style: chr3-52521959-C-T.
Identifiers: ClinVar variation 2653884 (VCV002653884.24), dbSNP rs138392739, ClinGen allele CA2439410.
Genomic context (GRCh38, chr3:52,487,943, plus strand): 5'-CGCCAACCTGCACGAGTTCCACGCGGACCTGCGCTCATGCTTTGCACCCCAGCACATGGC[C>T]ATGCTGTGTAGCCCCATCCTCTACGGCAGCCACACCAGCCTGCAGGAGTTCCTGCGCCAG-3'
Protein context (NP_009115.3, residues 807-827): LRSCFAPQHM[Ala817=]MLCSPILYGS